The following is an entry in ClinVar:

NM_000522.5(HOXA13):c.527G>A (p.Ser176Asn)

Genes: HOXA13 (homeobox A13; minus strand), LOC107126288 (NUP98-HOXA13 recombination region; plus strand). Cytogenetic location: 7p15.2.
Variant type: single nucleotide variant.
Coding change: c.527G>A on transcript NM_000522.5 (MANE Select); coding-DNA position 527, G replaced by A.
Protein change: p.Ser176Asn; replaces serine 176 with asparagine.
Molecular consequence: missense variant.
Genome position (GRCh38, 1-based): chr7:27,199,551, C>T on the plus strand (G>A on the coding strand, the complement: HOXA13 is on the minus strand). VCF-style: chr7-27199551-C-T. GRCh37 (hg19) VCF-style: chr7-27239170-C-T.
Other names: short protein forms S176N.
Identifiers: ClinVar variation 1306688 (VCV001306688.3), dbSNP rs1784060954, ClinGen allele CA367072599.

ClinVar aggregate classification (germline): Uncertain significance. Review status: criteria provided, multiple submitters, no conflicts (2 of 4 stars). 2 submissions from 2 submitters: Uncertain significance (2). Last evaluated 2022-02-28.

Conditions:
Hand-foot-genital syndrome (HFG). Also called: HFU syndrome; HFG syndrome; Hand-Foot-Uterus Syndrome. Identifiers: Orphanet 2438, MedGen C1841679, MONDO:0007698, OMIM 140000.
Guttmacher syndrome. Identifiers: Orphanet 2957, MedGen C1867801, MONDO:0008301, OMIM 176305.

Allele frequency attached by ClinVar (database versions not stated): TOPMed below 0.00001; gnomAD 0.00001.
gnomAD v4.1: 1 of 1,569,664 alleles (0.000064%); highest among the groups gnomAD compares: African/African-American, 0.0014%; no homozygotes.

Submissions (2):

Fulgent Genetics
Classification: Uncertain significance for Hand-foot-genital syndrome; Guttmacher syndrome. Last evaluated: 2022-02-28. Review status: criteria provided, single submitter. Criteria: ACMG Guidelines, 2015. Collection method: clinical testing. Allele origin: unknown.

GeneDx
Classification: Uncertain significance. Last evaluated: 2019-06-30. Review status: criteria provided, single submitter. Criteria: GeneDx Variant Classification Process June 2021. Collection method: clinical testing. Allele origin: germline. Affected: yes.
Comment: Not observed in large population cohorts (Lek et al., 2016); In silico analysis, which includes protein predictors and evolutionary conservation, supports that this variant does not alter protein structure/function; Has not been previously published as pathogenic or benign to our knowledge